The following is an entry in ClinVar:

NM_016023.5(OTUD6B):c.562C>T (p.Gln188Ter)

Gene: OTUD6B (OTU deubiquitinase 6B; plus strand). Cytogenetic location: 8q21.3.
Variant type: single nucleotide variant.
Coding change: c.562C>T on transcript NM_016023.5 (MANE Select); coding-DNA position 562, C replaced by T.
Protein change: p.Gln188Ter; replaces glutamine 188 with a stop codon.
Molecular consequence: nonsense.
Genome position (GRCh38, 1-based): chr8:91,078,602, C>T. VCF-style: chr8-91078602-C-T. GRCh37 (hg19) VCF-style: chr8-92090830-C-T.
Other names: c.259C>T, p.Gln87Ter (NM_001286745.3); short protein forms Q188*, Q87*.
Identifiers: ClinVar variation 1313846 (VCV001313846.2), dbSNP rs759491780, ClinGen allele CA4804793.

ClinVar aggregate classification (germline): Uncertain significance (1 of 4 stars; one submission).

Allele frequency attached by ClinVar (database versions not stated): gnomAD exomes below 0.00001; TOPMed below 0.00001.
gnomAD v4.1: 1 of 1,602,492 alleles (0.000062%); highest among the groups gnomAD compares: Non-Finnish European, 0.000085%; no homozygotes.

Submission:

GeneDx
Classification: Uncertain significance. Last evaluated: 2020-01-17. Review status: criteria provided, single submitter. Criteria: GeneDx Variant Classification Process June 2021. Collection method: clinical testing. Allele origin: germline. Affected: yes.
Comment: Nonsense variant predicted to result in protein truncation or nonsense mediated decay in a gene for which loss-of-function is a known mechanism of disease; Has not been previously published as pathogenic or benign to our knowledge; No data available from control populations to assess the frequency of this variant